The following is an entry in ClinVar:

NM_004304.5(ALK):c.237G>T (p.Glu79Asp)

Gene: ALK (ALK receptor tyrosine kinase; minus strand). Cytogenetic location: 2p23.1.
Variant type: single nucleotide variant.
Coding change: c.237G>T on transcript NM_004304.5 (MANE Select); coding-DNA position 237, G replaced by T.
Protein change: p.Glu79Asp; replaces glutamic acid 79 with aspartic acid.
Molecular consequence: missense variant.
Genome position (GRCh38, 1-based): chr2:29,920,423, C>A on the plus strand (G>T on the coding strand, the complement: ALK is on the minus strand). VCF-style: chr2-29920423-C-A. GRCh37 (hg19) VCF-style: chr2-30143289-C-A.
Other names: c.237G>T (NM_004304.4); short protein forms E79D.
Identifiers: ClinVar variation 1009325 (VCV001009325.10), dbSNP rs1022670397, ClinGen allele CA45004777.

ClinVar aggregate classification (germline): Uncertain significance. Review status: criteria provided, multiple submitters, no conflicts (2 of 4 stars). 2 submissions from 2 submitters: Uncertain significance (2). Last evaluated 2025-04-26.

Conditions:
Hereditary cancer-predisposing syndrome. Also called: Tumor predisposition; Hereditary Cancer Syndrome; Neoplastic Syndromes, Hereditary; Hereditary neoplastic syndrome. Identifiers: Orphanet 140162, MedGen C0027672, MeSH D009386, MONDO:0015356.
Neuroblastoma, susceptibility to, 3. Also called: ALK-Related Neuroblastic Tumor Susceptibility. Identifiers: Orphanet 635, MedGen C2751681, MONDO:0013083, OMIM 613014.

Submissions (2):

Labcorp Genetics (formerly Invitae), Labcorp
Classification: Uncertain significance for Neuroblastoma, susceptibility to, 3. Last evaluated: 2025-04-26. Review status: criteria provided, single submitter. Criteria: Invitae Variant Classification Sherloc (09022015). Collection method: clinical testing. Allele origin: germline.
Comment: This sequence change replaces glutamic acid, which is acidic and polar, with aspartic acid, which is acidic and polar, at codon 79 of the ALK protein (p.Glu79Asp). This variant is not present in population databases (gnomAD no frequency). This variant has not been reported in the literature in individuals affected with ALK-related conditions. ClinVar contains an entry for this variant (Variation ID: 1009325). An algorithm developed to predict the effect of missense changes on protein structure and function (PolyPhen-2) suggests that this variant is likely to be tolerated. In summary, the available evidence is currently insufficient to determine the role of this variant in disease. Therefore, it has been classified as a Variant of Uncertain Significance.

Ambry Genetics
Classification: Uncertain significance for Hereditary cancer-predisposing syndrome. Last evaluated: 2023-08-29. Review status: criteria provided, single submitter. Criteria: Ambry Variant Classification Scheme 2023. Collection method: clinical testing. Allele origin: germline.
Comment: The p.E79D variant (also known as c.237G>T), located in coding exon 1 of the ALK gene, results from a G to T substitution at nucleotide position 237. The glutamic acid at codon 79 is replaced by aspartic acid, an amino acid with highly similar properties. This amino acid position is conserved. In addition, this alteration is predicted to be tolerated by in silico analysis. Since supporting evidence is limited at this time, the clinical significance of this alteration remains unclear.